The following is an entry in ClinVar:

ClinVar aggregate classification (germline): Uncertain significance (1 of 4 stars; one submission).

Conditions:
Hereditary cancer-predisposing syndrome. Also called: Hereditary Cancer Syndrome; Hereditary neoplastic syndrome; Tumor predisposition; Neoplastic Syndromes, Hereditary. Identifiers: Orphanet 140162, MedGen C0027672, MeSH D009386, MONDO:0015356.

Submission:

Ambry Genetics
Classification: Uncertain significance for Hereditary cancer-predisposing syndrome. Last evaluated: 2024-11-14. Review status: criteria provided, single submitter. Criteria: Ambry Variant Classification Scheme 2023. Collection method: clinical testing. Allele origin: germline.
Comment: The c.-4C>A variant is located in the 5' untranslated region (5&rsquo; UTR) of the KIT gene. This variant results from a C to A substitution 4 bases upstream from the first translated codon. This nucleotide position is well conserved in available vertebrate species. Based on the available evidence, the clinical significance of this variant remains unclear.

NM_000222.3(KIT):c.-4C>A

Gene: KIT (KIT proto-oncogene, receptor tyrosine kinase; plus strand). Cytogenetic location: 4q12.
Variant type: single nucleotide variant.
Coding change: c.-4C>A on transcript NM_000222.3 (MANE Select); 4 bases upstream of the start codon, C replaced by A.
Molecular consequence: 5 prime UTR variant.
Genome position (GRCh38, 1-based): chr4:54,658,011, C>A. VCF-style: chr4-54658011-C-A. GRCh37 (hg19) VCF-style: chr4-55524178-C-A.
Other names: c.-4C>A (NM_001093772.2, NM_001385284.1, NM_001385285.1 and 4 more transcripts).
Identifiers: ClinVar variation 3534681 (VCV003534681.1).